The following is an entry in ClinVar:

NM_001165963.4(SCN1A):c.4576C>A (p.Pro1526Thr)

Genes: SCN1A (sodium voltage-gated channel alpha subunit 1; minus strand), LOC102724058 (uncharacterized LOC102724058; plus strand). Cytogenetic location: 2q24.3.
Variant type: single nucleotide variant.
Coding change: c.4576C>A on transcript NM_001165963.4 (MANE Select); coding-DNA position 4576, C replaced by A.
Protein change: p.Pro1526Thr; replaces proline 1526 with threonine.
Molecular consequence: missense variant. On other transcripts: non-coding transcript variant (1).
Genome position (GRCh38, 1-based): chr2:165,996,018, G>T on the plus strand (C>A on the coding strand, the complement: SCN1A is on the minus strand). VCF-style: chr2-165996018-G-T. GRCh37 (hg19) VCF-style: chr2-166852528-G-T.
Other names: c.4492C>A, p.Pro1498Thr (NM_001165964.3, NM_001353957.2, NM_001353958.2); c.4576C>A, p.Pro1526Thr (NM_001202435.3, NM_001353948.2); c.4543C>A, p.Pro1515Thr (NM_001353949.2, NM_001353950.2, NM_001353951.2 and 2 more transcripts); c.4540C>A, p.Pro1514Thr (NM_001353954.2, NM_001353955.2); c.4489C>A, p.Pro1497Thr (NM_001353960.2); c.2134C>A, p.Pro712Thr (NM_001353961.2); short protein forms P1497T, P1498T, P1514T, P1515T, P1526T, P712T.
Identifiers: ClinVar variation 3770210 (VCV003770210.1).
Genomic context (GRCh38, chr2:165,996,018, plus strand): 5'-AGCATGCAAGTTTTTGTTTTTGTATTTTTCCCCCATATCATTTGATACTTCTTACTCCTG[G>T]TCGAGGTATAGGCTTTTGCGGTTTTTTCGATCCTAATTTTTTCATTGCATTATAGTATTT-3'
Protein context (NP_001159435.1, residues 1516-1536): SKKPQKPIPR[Pro1526Thr]GNKFQGMVFD

ClinVar aggregate classification (germline): Likely pathogenic (1 of 4 stars; one submission).

Conditions:
Generalized epilepsy with febrile seizures plus, type 2 (GEFSP2). Also called: GEFS+, TYPE 2. Identifiers: Orphanet 36387, MedGen C1858673, MONDO:0011461, OMIM 604403.
Severe myoclonic epilepsy in infancy (DRVT). Also called: Severe Myoclonic Epilepsy in Infancy (SMEI); Dravet syndrome; SEVERE MYOCLONIC EPILEPSY OF INFANCY; DEVELOPMENTAL AND EPILEPTIC ENCEPHALOPATHY 6A; Epileptic encephalopathy, early infantile, 6 (Dravet syndrome). Identifiers: Orphanet 33069, MedGen C0751122, MONDO:0100135, OMIM 607208.

Submission:

Department of Neurology, Zibo Changguo Hospital
Classification: Likely pathogenic for Generalized epilepsy with febrile seizures plus, type 2; Severe myoclonic epilepsy in infancy. Last evaluated: 2025-01-09. Review status: criteria provided, single submitter. Criteria: ACMG Guidelines, 2015. Collection method: clinical testing. Allele origin: de novo. Inheritance: Autosomal dominant inheritance. Affected: yes.
Comment: PS2, PM2_Supporting, PP2, PP3